The following is an entry in ClinVar:

NM_006766.5(KAT6A):c.4550G>A (p.Gly1517Glu)

Gene: KAT6A (lysine acetyltransferase 6A; minus strand). Cytogenetic location: 8p11.21.
Variant type: single nucleotide variant.
Coding change: c.4550G>A on transcript NM_006766.5 (MANE Select); coding-DNA position 4550, G replaced by A.
Protein change: p.Gly1517Glu; replaces glycine 1517 with glutamic acid.
Molecular consequence: missense variant.
Genome position (GRCh38, 1-based): chr8:41,933,670, C>T on the plus strand (G>A on the coding strand, the complement: KAT6A is on the minus strand). VCF-style: chr8-41933670-C-T. GRCh37 (hg19) VCF-style: chr8-41791188-C-T.
Other names: short protein forms G1517E.
Identifiers: ClinVar variation 3392775 (VCV003392775.1).

ClinVar aggregate classification (germline): Uncertain significance (1 of 4 stars; one submission).

gnomAD v4.1: 1 of 1,614,118 alleles (0.000062%); no homozygotes.

Submission:

GeneDx
Classification: Uncertain significance. Last evaluated: 2024-06-27. Review status: criteria provided, single submitter. Criteria: GeneDx Variant Classification Process June 2021. Collection method: clinical testing. Allele origin: germline. Affected: yes.
Comment: Not observed at significant frequency in large population cohorts (gnomAD); In silico analysis supports that this missense variant has a deleterious effect on protein structure/function; Has not been previously published as pathogenic or benign to our knowledge